The following is an entry in ClinVar:

NM_014000.3(VCL):c.3327T>C (p.Ala1109=)

Gene: VCL (vinculin; plus strand). Cytogenetic location: 10q22.2.
Variant type: single nucleotide variant.
Coding change: c.3327T>C on transcript NM_014000.3 (MANE Select); coding-DNA position 3327, T replaced by C.
Protein change: p.Ala1109=; no amino-acid change (alanine 1109 retained).
Molecular consequence: synonymous variant.
Genome position (GRCh38, 1-based): chr10:74,118,091, T>C. VCF-style: chr10-74118091-T-C. GRCh37 (hg19) VCF-style: chr10-75877849-T-C.
Other names: c.3123T>C, p.Ala1041= (NM_003373.4).
Identifiers: ClinVar variation 45610 (VCV000045610.7), dbSNP rs397517242, ClinGen allele CA136780.
Genomic context (GRCh38, chr10:74,118,091, plus strand): 5'-GATGCTGGTTCACAATGCCCAGAACCTCATGCAGTCTGTGAAGGAGACTGTGCGGGAAGC[T>C]GAAGCTGCTTCAATCAAAATTCGAACAGATGCTGGATTTACACTGCGCTGGGTTAGAAAG-3'
Protein context (NP_054706.1, residues 1099-1119): MQSVKETVRE[Ala1109=]EAASIKIRTD

ClinVar aggregate classification (germline): Likely benign. Review status: criteria provided, multiple submitters, no conflicts (2 of 4 stars). 2 submissions from 2 submitters: Likely benign (2). Last evaluated 2025-01-17.

Conditions:
Dilated cardiomyopathy 1W (CMD1W). Identifiers: Orphanet 154, MedGen C1969639, MONDO:0012667, OMIM 611407.

Allele frequency attached by ClinVar (database versions not stated): gnomAD exomes 0.00001; ExAC 0.00002.
gnomAD v4.1: 8 of 1,614,154 alleles (0.0005%); highest among the groups gnomAD compares: South Asian, 0.0088%; 1 homozygote.

Submissions (2):

Labcorp Genetics (formerly Invitae), Labcorp
Classification: Likely benign for Dilated cardiomyopathy 1W. Last evaluated: 2025-01-17. Review status: criteria provided, single submitter. Criteria: Invitae Variant Classification Sherloc (09022015). Collection method: clinical testing. Allele origin: germline.

Laboratory for Molecular Medicine, Mass General Brigham Personalized Medicine
Classification: Likely benign. Last evaluated: 2012-10-03. Review status: criteria provided, single submitter. Criteria: LMM Criteria. Collection method: clinical testing. Allele origin: germline. Observed: 1 variant allele.
Comment: Alal1109Ala in exon 22 of VCL: This variant is not expected to have clinical sig nificance because it does not alter an amino acid residue and is not located wit hin the splice consensus sequence. Alal1109Ala in exon 22 of VCL (allele freque ncy = n/a)